The following is an entry in ClinVar:

NM_006017.3(PROM1):c.449A>G (p.Asn150Ser)

Gene: PROM1 (prominin 1; minus strand). Cytogenetic location: 4p15.32.
Variant type: single nucleotide variant.
Coding change: c.449A>G on transcript NM_006017.3 (MANE Select); coding-DNA position 449, A replaced by G.
Protein change: p.Asn150Ser; replaces asparagine 150 with serine.
Molecular consequence: missense variant.
Genome position (GRCh38, 1-based): chr4:16,033,364, T>C on the plus strand (A>G on the coding strand, the complement: PROM1 is on the minus strand). VCF-style: chr4-16033364-T-C. GRCh37 (hg19) VCF-style: chr4-16034987-T-C.
Other names: c.422A>G, p.Asn141Ser (NM_001145847.2, NM_001145848.2, NM_001145851.2 and 4 more transcripts); c.449A>G, p.Asn150Ser (NM_001145849.2, NM_001145850.2); short protein forms N141S, N150S.
Identifiers: ClinVar variation 1028999 (VCV001028999.1), dbSNP rs1733188880, ClinGen allele CA356427458.

ClinVar aggregate classification (germline): Uncertain significance (1 of 4 stars; one submission).

Conditions:
Cone-rod dystrophy 12 (CORD12). Identifiers: Orphanet 1872, MedGen C2675210, MONDO:0012983, OMIM 612657.

Submission:

Baylor Genetics
Classification: Uncertain significance for Cone-rod dystrophy 12. Last evaluated: 2020-01-21. Review status: criteria provided, single submitter. Criteria: ACMG Guidelines, 2015. Collection method: clinical testing. Allele origin: unknown. Affected: yes.
Comment: This variant was determined to be of uncertain significance according to ACMG Guidelines, 2015 [PMID:25741868].